The following is an entry in ClinVar:

NM_000234.3(LIG1):c.2462G>A (p.Arg821His)

Gene: LIG1 (DNA ligase 1; minus strand). Cytogenetic location: 19q13.33.
Variant type: single nucleotide variant.
Coding change: c.2462G>A on transcript NM_000234.3 (MANE Select); coding-DNA position 2462, G replaced by A.
Protein change: p.Arg821His; replaces arginine 821 with histidine.
Molecular consequence: missense variant. On other transcripts: non-coding transcript variant (6).
Genome position (GRCh38, 1-based): chr19:48,117,759, C>T on the plus strand (G>A on the coding strand, the complement: LIG1 is on the minus strand). VCF-style: chr19-48117759-C-T. GRCh37 (hg19) VCF-style: chr19-48621016-C-T.
Other names: c.2369G>A, p.Arg790His (NM_001289063.2); c.2258G>A, p.Arg753His (NM_001289064.2); c.2459G>A, p.Arg820His (NM_001320970.2); c.2372G>A, p.Arg791His (NM_001320971.2); short protein forms R790H, R791H, R820H, R821H, R753H.
Identifiers: ClinVar variation 3118705 (VCV003118705.2), dbSNP rs542028224, ClinGen allele CA9546394.

ClinVar aggregate classification (germline): Uncertain significance. Review status: criteria provided, multiple submitters, no conflicts (2 of 4 stars). 2 submissions from 2 submitters: Uncertain significance (2). Last evaluated 2025-10-04.

Allele frequency attached by ClinVar (database versions not stated): ExAC 0.00004; 1000 Genomes Project 30x 0.00016; 1000 Genomes Project 0.00020.
gnomAD v4.1: 29 of 1,613,004 alleles (0.0018%); highest among the groups gnomAD compares: Middle Eastern, 0.016%; no homozygotes.

Submissions (2):

Labcorp Genetics (formerly Invitae), Labcorp
Classification: Uncertain significance. Last evaluated: 2025-10-04. Review status: criteria provided, single submitter. Criteria: Invitae Variant Classification Sherloc (09022015). Collection method: clinical testing. Allele origin: germline.
Comment: This sequence change replaces arginine, which is basic and polar, with histidine, which is basic and polar, at codon 821 of the LIG1 protein (p.Arg821His). This variant is present in population databases (rs542028224, gnomAD 0.01%). This variant has not been reported in the literature in individuals affected with LIG1-related conditions. ClinVar contains an entry for this variant (Variation ID: 3118705). An algorithm developed to predict the effect of missense changes on protein structure and function (PolyPhen-2) suggests that this variant is likely to be disruptive. In summary, the available evidence is currently insufficient to determine the role of this variant in disease. Therefore, it has been classified as a Variant of Uncertain Significance.

Ambry Genetics
Classification: Uncertain significance. Last evaluated: 2023-10-02. Review status: criteria provided, single submitter. Criteria: Ambry Variant Classification Scheme 2023. Collection method: clinical testing. Allele origin: germline.